The following is an entry in ClinVar:

ClinVar aggregate classification (germline): Likely benign. Review status: criteria provided, multiple submitters, no conflicts (2 of 4 stars). 3 submissions from 3 submitters: Likely benign (3). Last evaluated 2025-06-19.

Conditions:
Tuberous sclerosis 2 (TSC2). Identifiers: Orphanet 805, MedGen C1860707, MONDO:0013199, OMIM 613254.
Tuberous sclerosis syndrome (TSC). Also called: Tuberous Sclerosis Complex; Tuberous sclerosis. Identifiers: Orphanet 805, MedGen C0041341, MONDO:0001734.

Allele frequency attached by ClinVar (database versions not stated): gnomAD exomes 0.00001.
gnomAD v4.1: 11 of 1,613,968 alleles (0.00068%); highest among the groups gnomAD compares: Non-Finnish European, 0.00093%; no homozygotes.

Submissions (3):

Labcorp Genetics (formerly Invitae), Labcorp
Classification: Likely benign for Tuberous sclerosis 2. Last evaluated: 2025-06-19. Review status: criteria provided, single submitter. Criteria: Invitae Variant Classification Sherloc (09022015). Collection method: clinical testing. Allele origin: germline.

Myriad Genetics, Inc.
Classification: Likely benign for Tuberous sclerosis 2. Last evaluated: 2025-05-19. Review status: criteria provided, single submitter. Criteria: Myriad Autosomal Dominant, Autosomal Recessive and X-Linked Classification Criteria (2023). Collection method: clinical testing. Allele origin: unknown.
Comment: This variant is considered likely benign. This variant is intronic and is not expected to impact mRNA splicing.

Color Diagnostics, LLC DBA Color Health
Classification: Likely benign for Tuberous sclerosis syndrome. Last evaluated: 2022-11-22. Review status: criteria provided, single submitter. Criteria: ACMG Guidelines, 2015. Collection method: clinical testing. Allele origin: germline.

NM_000548.5(TSC2):c.2098-12C>T

Gene: TSC2 (TSC complex subunit 2; plus strand). Cytogenetic location: 16p13.3.
Variant type: single nucleotide variant.
Coding change: c.2098-12C>T on transcript NM_000548.5 (MANE Select); 12 bases into the intron before coding-DNA position 2098, C replaced by T.
Molecular consequence: intron variant.
Genome position (GRCh38, 1-based): chr16:2,072,229, C>T. VCF-style: chr16-2072229-C-T. GRCh37 (hg19) VCF-style: chr16-2122230-C-T.
Other names: c.2098-12C>T (NM_001114382.3, NM_021055.3, NM_001370405.1 and 3 more transcripts); c.1987-12C>T (NM_001318827.2); c.1498-12C>T (NM_001318831.2); c.1951-12C>T (NM_001318829.2); c.2131-12C>T (NM_001318832.2).
Identifiers: ClinVar variation 1532954 (VCV001532954.10), dbSNP rs1460403520, ClinGen allele CA620704874.
Genomic context (GRCh38, chr16:2,072,229, plus strand): 5'-CCTCAGATGCTAGCTTCCGCCTCTGTCTCTAGGGTCCAGAAGGCCCTGTCCTGACGCCTC[C>T]TCTCCTCGCAGGAGTCTGACTGGAAGGTGCTGAAGCTGGTTCTGGGCAGGCTGCCTGAGT-3'